The following is an entry in ClinVar:

NM_004963.4(GUCY2C):c.1785T>A (p.Tyr595Ter)

Gene: GUCY2C (guanylate cyclase 2C; minus strand). Cytogenetic location: 12p12.3.
Variant type: single nucleotide variant.
Coding change: c.1785T>A on transcript NM_004963.4 (MANE Select); coding-DNA position 1785, T replaced by A.
Protein change: p.Tyr595Ter; replaces tyrosine 595 with a stop codon.
Molecular consequence: nonsense.
Genome position (GRCh38, 1-based): chr12:14,645,241, A>T on the plus strand (T>A on the coding strand, the complement: GUCY2C is on the minus strand). VCF-style: chr12-14645241-A-T. GRCh37 (hg19) VCF-style: chr12-14798175-A-T.
Other names: short protein forms Y595*.
Identifiers: ClinVar variation 1461405 (VCV001461405.6), dbSNP rs1164673592, ClinGen allele CA383986721.

ClinVar aggregate classification (germline): Uncertain significance (1 of 4 stars; one submission).

gnomAD v4.1: 5 of 1,560,806 alleles (0.00032%); highest among the groups gnomAD compares: African/African-American, 0.0014%; no homozygotes.

Submission:

Labcorp Genetics (formerly Invitae), Labcorp
Classification: Uncertain significance. Last evaluated: 2024-05-09. Review status: criteria provided, single submitter. Criteria: Invitae Variant Classification Sherloc (09022015). Collection method: clinical testing. Allele origin: germline.
Comment: This sequence change creates a premature translational stop signal (p.Tyr595*) in the GUCY2C gene. It is expected to result in an absent or disrupted protein product. However, the current clinical and genetic evidence is not sufficient to establish whether loss-of-function variants in GUCY2C cause disease. This variant is not present in population databases (gnomAD no frequency). This variant has not been reported in the literature in individuals affected with GUCY2C-related conditions. ClinVar contains an entry for this variant (Variation ID: 1461405). In summary, the available evidence is currently insufficient to determine the role of this variant in disease. Therefore, it has been classified as a Variant of Uncertain Significance.